The following is an entry in ClinVar:

ClinVar aggregate classification (germline): Likely benign. Review status: reviewed by expert panel (3 of 4 stars). 12 submissions from 12 submitters: Likely benign (1). 11 of the submissions do not count toward it. Last evaluated 2017-06-29.

Conditions:
Hereditary cancer-predisposing syndrome. Also called: Tumor predisposition; Hereditary neoplastic syndrome; Neoplastic Syndromes, Hereditary; Hereditary Cancer Syndrome. Identifiers: Orphanet 140162, MedGen C0027672, MeSH D009386, MONDO:0015356.
Hereditary breast ovarian cancer syndrome. Also called: Hereditary breast and ovarian cancer syndrome; Hereditary breast and ovarian cancer; Hereditary breast and ovarian cancer syndrome (HBOC); Breast and ovarian cancer; BRCA1- and BRCA2-Associated Hereditary Breast and Ovarian Cancer; Hereditary breast and/or ovarian cancer syndrome. Identifiers: Orphanet 145, MedGen C0677776, MeSH D061325, MONDO:0003582. Disease mechanism: loss of function.
Breast-ovarian cancer, familial, susceptibility to, 2 (BROVCA2). Also called: BRCA2 Hereditary Breast and Ovarian Cancer. Identifiers: Orphanet 145, MedGen C2675520, MONDO:0012933, OMIM 612555. Disease mechanism: loss of function.
Familial cancer of breast. Also called: BREAST CANCER, FAMILIAL; Hereditary breast cancer; hereditary breast carcinoma. Identifiers: Orphanet 227535, MedGen C0346153, MONDO:0016419, OMIM 114480. Disease mechanism: loss of function.

Allele frequency attached by ClinVar (database versions not stated): TOPMed 0.00002; ExAC 0.00002; gnomAD 0.00002; gnomAD exomes 0.00002.
gnomAD v4.1: 27 of 1,613,208 alleles (0.0017%); highest among the groups gnomAD compares: East Asian, 0.0067%; no homozygotes.

Submissions (12):

Evidence-based Network for the Interpretation of Germline Mutant Alleles (ENIGMA)
Classification: Likely benign for Breast-ovarian cancer, familial, susceptibility to, 2. Last evaluated: 2017-06-29. Review status: reviewed by expert panel. Criteria: ENIGMA BRCA1/2 Classification Criteria (2017-06-29). Collection method: curation. Allele origin: germline.
Comment: Synonymous substitution variant, with low bioinformatic likelihood to result in a splicing aberration (Splicing prior probability 0.02).

Labcorp Genetics (formerly Invitae), Labcorp
Classification: Benign for Hereditary breast ovarian cancer syndrome. Last evaluated: 2025-11-10. Review status: criteria provided, single submitter. Criteria: Invitae Variant Classification Sherloc (09022015). Collection method: clinical testing. Allele origin: germline. Not counted in ClinVar's aggregate classification.

Molecular Diagnostics Laboratory, Catalan Institute of Oncology
Classification: Likely benign for Hereditary cancer-predisposing syndrome. Last evaluated: 2025-03-26. Review status: criteria provided, single submitter. Criteria: ClinGen BRCA1BRCA2 ACMG Specifications BRCA2 V1.0.0. Collection method: clinical testing. Allele origin: germline. Not counted in ClinVar's aggregate classification.
Comment: BP4, BP7 c.9270C>T, located in exon 25 of the BRCA2 gene, is predicted to result in no amino acid change in a (potentially) clinically important functional domain, p.(Phe3090=) (BP7). This variant is found in 3/235930 alleles in the gnomAD v2.1.1 database (European non Finnish exome non-cancer data set). The SpliceAI algorithm predicts no significant impact on splicing (BP4). To our knowledge, functional studies have not been reported for this variant. This variant has been reported in the ClinVar database (1x uncertain significance, 6x likely benign, 3x benign), in LOVD database (1x uncertain significance, 2x likely benign) and classified as likely benign in BRCAExchange Synonymous substitution variant, with low bioinformatic likelihood to result in a splicing aberration (Splicing prior probability 0.02). Based on currently available information, the variant c.9270C>T is classified as a likely benign variant according to ClinGen- BRCA1 and BRCA2 Guidelines version 1.0.0.

Quest Diagnostics Nichols Institute San Juan Capistrano
Classification: Likely benign. Last evaluated: 2023-08-08. Review status: criteria provided, single submitter. Criteria: Quest Diagnostics criteria. Collection method: clinical testing. Allele origin: unknown. Not counted in ClinVar's aggregate classification.

Women's Health and Genetics/Laboratory Corporation of America, LabCorp
Classification: Likely benign. Last evaluated: 2017-11-06. Review status: criteria provided, single submitter. Criteria: LabCorp Variant Classification Summary - May 2015. Collection method: clinical testing. Allele origin: germline. Not counted in ClinVar's aggregate classification.
Comment: Variant summary: The BRCA2 c.9270C>T (p.Phe3090Phe) variant involves the alteration of a non-conserved nucleotide, resulting in a synonymous change. Mutation Taster predicts a damaging outcome for this variant implicating â€œsplice site changesâ€, however 5/5 splice prediction tools in Alamut predict no significant impact on normal splicing. ESE finder predicts that this variant may affect the binding site of the splicing factor SRp55, however a functional study found that the variant doesnâ€™t affect splicing in lymphocytes (Quiles 2016). This variant was found in 8/276150 control chromosomes at a frequency of 0.000029, which does not exceed the estimated maximal expected allele frequency of a pathogenic BRCA2 variant (0.0007503). The variant, to our knowledge, has not been published in the literature as a germline variant in HBOC affected individuals, however the variant has been reported as a somatic mutation in a serous endometrial carcinoma and malignant melanomas (COSMIC). In addition, multiple clinical diagnostic laboratories classified this variant as benign or likely benign. Taken together, this variant is classified as likely benign.

Baylor Genetics
Classification: Benign for Familial cancer of breast. Last evaluated: 2017-02-23. Review status: criteria provided, single submitter. Criteria: ACMG Guidelines, 2015. Collection method: clinical testing. Allele origin: germline. Inheritance: Autosomal dominant inheritance. Affected: no. Not counted in ClinVar's aggregate classification.

Color Diagnostics, LLC DBA Color Health
Classification: Likely benign for Hereditary cancer-predisposing syndrome. Last evaluated: 2015-08-07. Review status: criteria provided, single submitter. Criteria: ACMG Guidelines, 2015. Collection method: clinical testing. Allele origin: germline. Not counted in ClinVar's aggregate classification.

Ambry Genetics
Classification: Likely benign for Hereditary cancer-predisposing syndrome. Last evaluated: 2015-04-21. Review status: criteria provided, single submitter. Criteria: Ambry Variant Classification Scheme 2023. Collection method: clinical testing. Allele origin: germline. Not counted in ClinVar's aggregate classification.

Eurofins Ntd Llc (ga)
Classification: Uncertain significance. Last evaluated: 2015-03-03. Review status: criteria provided, single submitter. Criteria: EGL Classification Definitions 2015. Collection method: clinical testing. Allele origin: germline. Observed: 1 variant allele, 1 heterozygote. Not counted in ClinVar's aggregate classification.

GeneDx
Classification: Benign. Last evaluated: 2014-03-19. Review status: criteria provided, single submitter. Criteria: GeneDx Variant Classification (06012015). Collection method: clinical testing. Allele origin: germline. Affected: yes. Not counted in ClinVar's aggregate classification.
Comment: This variant is considered likely benign or benign based on one or more of the following criteria: it is a conservative change, it occurs at a poorly conserved position in the protein, it is predicted to be benign by multiple in silico algorithms, and/or has population frequency not consistent with disease.

Counsyl
Classification: Likely benign for Breast-ovarian cancer, familial, susceptibility to, 2. Last evaluated: 2016-09-29. Review status: no assertion criteria provided. Collection method: clinical testing. Allele origin: unknown. Not counted in ClinVar's aggregate classification.

Department of Pathology and Laboratory Medicine, Sinai Health System
Classification: Likely benign. Review status: no assertion criteria provided. Collection method: clinical testing. Allele origin: unknown. Affected: yes. Observed: 1 variant allele. Study: The Canadian Open Genetics Repository (COGR). Not counted in ClinVar's aggregate classification.
Comment: The BRCA2 p.Phe3090= variant was not identified in the literature nor was it identified in the following databases: COGR, MutDB, LOVD 3.0, UMD-LSDB, BIC Database, ARUP Laboratories, or Zhejiang Colon Cancer Database. The variant was identified in dbSNP (ID: rs587780873) as â€šÃ„ÃºWith Uncertain significance, other alleleâ€šÃ„Ã¹, ClinVar and Clinvitae (classified as benign by GeneDx and Baylor Miraca Genetics, classified as likely benign by Color Genomics, Ambry Genetics, Invitae, Counsyl and ENIGMA, classified as uncertain significance by Laboratory Corporation of America and EGL Genetic Diagnostics), and in the COSMIC database (reported in one case of serous carcinoma of the endometrium and confirmed somatic in 5 cases of malignant melanoma). The variant was identified in control databases in 8 of 276150 chromosomes at a frequency of 0.00003 (Genome Aggregation Database Feb 27, 2017). It was observed in the following populations: African in 1 of 24000 chromosomes (freq: 0.00004), European Non-Finnish in 6 of 126022 chromosomes (freq: 0.00005), East Asian in 1 of 18836 chromosomes (freq: 0.00005), but not in the Other, Latino, Ashkenazi Jewish, European Finnish, and South Asian populations. The variant occurs outside of the splicing consensus sequence and 1 of 5 in silico or computational prediction software programs (SpliceSiteFinder, MaxEntScan, NNSPLICE, GeneSplicer, HumanSpliceFinder) predict a greater than 10% difference in splicing upstream of the variant; this is not very predictive of pathogenicity. The p.Phe3090= variant is not expected to have clinical significance because it does not result in a change of amino acid and is not located in a known consensus splice site. In summary, based on the above information this variant is classified as likely benign.

Literature cited by the submitters: PubMed 26780556 (cited by Quest Diagnostics Nichols Institute San Juan Capistrano and Counsyl); PubMed 32467295 (cited by Quest Diagnostics Nichols Institute San Juan Capistrano); PubMed 30287823 (cited by Quest Diagnostics Nichols Institute San Juan Capistrano).

NM_000059.4(BRCA2):c.9270C>T (p.Phe3090=)

Gene: BRCA2 (BRCA2 DNA repair associated; plus strand). Cytogenetic location: 13q13.1.
Variant type: single nucleotide variant.
Coding change: c.9270C>T on transcript NM_000059.4 (MANE Select); coding-DNA position 9270, C replaced by T.
Protein change: p.Phe3090=; no amino-acid change (phenylalanine 3090 retained).
Molecular consequence: synonymous variant.
Genome position (GRCh38, 1-based): chr13:32,394,702, C>T. VCF-style: chr13-32394702-C-T. GRCh37 (hg19) VCF-style: chr13-32968839-C-T.
Other names: p.F3090F:TTC>TTT.
Identifiers: ClinVar variation 136573 (VCV000136573.28), dbSNP rs587780873, ClinGen allele CA026075.